The following is an entry in ClinVar:

NM_000722.4(CACNA2D1):c.482A>C (p.Tyr161Ser)

Gene: CACNA2D1 (calcium voltage-gated channel auxiliary subunit alpha2delta 1; minus strand). Cytogenetic location: 7q21.11.
Variant type: single nucleotide variant.
Coding change: c.482A>C on transcript NM_000722.4 (MANE Select); coding-DNA position 482, A replaced by C.
Protein change: p.Tyr161Ser; replaces tyrosine 161 with serine.
Molecular consequence: missense variant.
Genome position (GRCh38, 1-based): chr7:82,117,088, T>G on the plus strand (A>C on the coding strand, the complement: CACNA2D1 is on the minus strand). VCF-style: chr7-82117088-T-G. GRCh37 (hg19) VCF-style: chr7-81746404-T-G.
Other names: c.482A>C, p.Tyr161Ser (NM_001302890.2, NM_001366867.1); short protein forms Y161S.
Identifiers: ClinVar variation 4613773 (VCV004613773.1).
Genomic context (GRCh38, chr7:82,117,088, plus strand): 5'-ACATTCTTTTACTTACAGCCCTCATAGATGTCAGTAGGAATATGGACTGCTGCGTGCTGA[T>G]AAGATATTTGTCGTCCAAAATTAGCATCTTCAATGAAAACAGGTTTTATCCTCTGGCTGC-3'
Protein context (NP_000713.2, residues 151-171): EDANFGRQIS[Tyr161Ser]QHAAVHIPTD

ClinVar aggregate classification (germline): Uncertain significance (1 of 4 stars; one submission).

Conditions:
Cardiovascular phenotype. Identifiers: MedGen CN230736.

Submission:

Ambry Genetics
Classification: Uncertain significance for Cardiovascular phenotype. Last evaluated: 2025-10-26. Review status: criteria provided, single submitter. Criteria: Ambry Variant Classification Scheme 2023. Collection method: clinical testing. Allele origin: germline.
Comment: The p.Y161S variant (also known as c.482A>C), located in coding exon 6 of the CACNA2D1 gene, results from an A to C substitution at nucleotide position 482. The tyrosine at codon 161 is replaced by serine, an amino acid with dissimilar properties. This amino acid position is conserved. In addition, the in silico prediction for this alteration is inconclusive. Based on the available evidence, the clinical significance of this variant remains unclear.